The following is an entry in ClinVar:

ClinVar aggregate classification (germline): Uncertain significance (1 of 4 stars; one submission).

Conditions:
Hermansky-Pudlak syndrome 2 (HPS2). Also called: Platelet defects and oculocutaneous albinism. Identifiers: Orphanet 183678, Orphanet 79430, MedGen C1842362, MONDO:0011997, OMIM 608233.

Allele frequency attached by ClinVar (database versions not stated): gnomAD exomes 0.00001.

Submission:

Labcorp Genetics (formerly Invitae), Labcorp
Classification: Uncertain significance for Hermansky-Pudlak syndrome 2. Last evaluated: 2022-02-25. Review status: criteria provided, single submitter. Criteria: Invitae Variant Classification Sherloc (09022015). Collection method: clinical testing. Allele origin: germline.
Comment: In summary, the available evidence is currently insufficient to determine the role of this variant in disease. Therefore, it has been classified as a Variant of Uncertain Significance. Algorithms developed to predict the effect of missense changes on protein structure and function (SIFT, PolyPhen-2, Align-GVGD) all suggest that this variant is likely to be disruptive. ClinVar contains an entry for this variant (Variation ID: 1001789). This variant has not been reported in the literature in individuals affected with AP3B1-related conditions. This variant is not present in population databases (gnomAD no frequency). This sequence change replaces tyrosine, which is neutral and polar, with histidine, which is basic and polar, at codon 568 of the AP3B1 protein (p.Tyr568His).

NM_003664.5(AP3B1):c.1702T>C (p.Tyr568His)

Gene: AP3B1 (adaptor related protein complex 3 subunit beta 1; minus strand). Cytogenetic location: 5q14.1.
Variant type: single nucleotide variant.
Coding change: c.1702T>C on transcript NM_003664.5 (MANE Select); coding-DNA position 1702, T replaced by C.
Protein change: p.Tyr568His; replaces tyrosine 568 with histidine.
Molecular consequence: missense variant.
Genome position (GRCh38, 1-based): chr5:78,129,256, A>G on the plus strand (T>C on the coding strand, the complement: AP3B1 is on the minus strand). VCF-style: chr5-78129256-A-G. GRCh37 (hg19) VCF-style: chr5-77425080-A-G.
Other names: c.1555T>C, p.Tyr519His (NM_001271769.2); short protein forms Y519H, Y568H.
Identifiers: ClinVar variation 1001789 (VCV001001789.10), dbSNP rs1752591935, ClinGen allele CA360188142.
Genomic context (GRCh38, chr5:78,129,256, plus strand): 5'-CACTCTTTACATTCGGAACAATAAGCTGCCTAATAAATCTTGTACGGTCTCTGATGTCGT[A>G]GTTTTGATCATACTTGCCGAGATTTAATATGTACTGGGTAAGCAATTTTGTCTGTTGGAA-3'
Protein context (NP_003655.3, residues 558-578): ILNLGKYDQN[Tyr568His]DIRDRTRFIR